The following is an entry in ClinVar:

NM_001080.3(ALDH5A1):c.*1268C>A

Gene: ALDH5A1 (aldehyde dehydrogenase 5 family member A1; plus strand). Cytogenetic location: 6p22.3.
Variant type: single nucleotide variant.
Coding change: c.*1268C>A on transcript NM_001080.3 (MANE Select); 1268 bases downstream of the stop codon, C replaced by A.
Molecular consequence: 3 prime UTR variant.
Genome position (GRCh38, 1-based): chr6:24,534,980, C>A. VCF-style: chr6-24534980-C-A. GRCh37 (hg19) VCF-style: chr6-24535208-C-A.
Other names: c.*1268C>A (NM_001368954.1, NM_170740.1).
Identifiers: ClinVar variation 356165 (VCV000356165.5), dbSNP rs12190214, ClinGen allele CA10623531.

ClinVar aggregate classification (germline): Benign (1 of 4 stars; one submission).

Conditions:
Succinate-semialdehyde dehydrogenase deficiency (SSADHD). Also called: Succinic Semialdehyde Dehydrogenase Deficiency; 4-HYDROXYBUTYRIC ACIDURIA; GABA METABOLIC DEFECT; SSADH DEFICIENCY. Identifiers: Orphanet 22, MedGen C0268631, MONDO:0010083, OMIM 271980.

Allele frequency attached by ClinVar (database versions not stated): 1000 Genomes Project 30x 0.04622; 1000 Genomes Project 0.04792; TOPMed 0.05697; gnomAD 0.06292 and 0.06392.

Submission:

Illumina Laboratory Services, Illumina
Classification: Benign for Succinate-semialdehyde dehydrogenase deficiency. Last evaluated: 2018-01-12. Review status: criteria provided, single submitter. Criteria: ICSL Variant Classification Criteria 13 December 2019. Collection method: clinical testing. Allele origin: germline.
Comment: This variant was observed in the ICSL laboratory as part of a predisposition screen in an ostensibly healthy population. It had not been previously curated by ICSL or reported in the Human Gene Mutation Database (HGMD: prior to June 1st, 2018), and was therefore a candidate for classification through an automated scoring system. Utilizing variant allele frequency, disease prevalence and penetrance estimates, and inheritance mode, an automated score was calculated to assess if this variant is too frequent to cause the disease. Based on the score and internal cut-off values, a variant classified as benign is not then subjected to further curation. The score for this variant resulted in a classification of benign for this disease.